The following is an entry in ClinVar:

ClinVar aggregate classification (germline): Uncertain significance (1 of 4 stars; one submission).

gnomAD v4.1: 5 of 1,609,172 alleles (0.00031%); highest among the groups gnomAD compares: South Asian, 0.0055%; no homozygotes.

Submission:

GeneDx
Classification: Uncertain significance. Last evaluated: 2023-12-29. Review status: criteria provided, single submitter. Criteria: GeneDx Variant Classification Process June 2021. Collection method: clinical testing. Allele origin: germline. Affected: yes.
Comment: Not observed at significant frequency in large population cohorts (gnomAD); In silico analysis supports that this missense variant has a deleterious effect on protein structure/function; Has not been previously published as pathogenic or benign to our knowledge

NM_020376.4(PNPLA2):c.989T>C (p.Leu330Pro)

Gene: PNPLA2 (patatin like phospholipase domain containing 2; plus strand). Cytogenetic location: 11p15.5.
Variant type: single nucleotide variant.
Coding change: c.989T>C on transcript NM_020376.4 (MANE Select); coding-DNA position 989, T replaced by C.
Protein change: p.Leu330Pro; replaces leucine 330 with proline.
Molecular consequence: missense variant.
Genome position (GRCh38, 1-based): chr11:824,067, T>C. VCF-style: chr11-824067-T-C. GRCh37 (hg19) VCF-style: chr11-824067-T-C.
Other names: short protein forms L330P.
Identifiers: ClinVar variation 3367374 (VCV003367374.1).